The following is an entry in ClinVar:

ClinVar aggregate classification (germline): Uncertain significance (1 of 4 stars; one submission).

Submission:

Ambry Genetics
Classification: Uncertain significance. Last evaluated: 2023-11-09. Review status: criteria provided, single submitter. Criteria: Ambry Variant Classification Scheme 2023. Collection method: clinical testing. Allele origin: germline.
Comment: The p.D946G variant (also known as c.2837A>G), located in coding exon 16 of the POLQ gene, results from an A to G substitution at nucleotide position 2837. The aspartic acid at codon 946 is replaced by glycine, an amino acid with similar properties. This amino acid position is conserved. In addition, this alteration is predicted to be tolerated by in silico analysis. Since supporting evidence is limited at this time, the clinical significance of this alteration remains unclear.

NM_199420.4(POLQ):c.2837A>G (p.Asp946Gly)

Gene: POLQ (DNA polymerase theta; minus strand). Cytogenetic location: 3q13.33.
Variant type: single nucleotide variant.
Coding change: c.2837A>G on transcript NM_199420.4 (MANE Select); coding-DNA position 2837, A replaced by G.
Protein change: p.Asp946Gly; replaces aspartic acid 946 with glycine.
Molecular consequence: missense variant.
Genome position (GRCh38, 1-based): chr3:121,490,094, T>C on the plus strand (A>G on the coding strand, the complement: POLQ is on the minus strand). VCF-style: chr3-121490094-T-C. GRCh37 (hg19) VCF-style: chr3-121208941-T-C.
Other names: short protein forms D946G.
Identifiers: ClinVar variation 3229897 (VCV003229897.1), dbSNP rs2546788126, ClinGen allele CA354104344.